The following is an entry in ClinVar:

ClinVar aggregate classification (germline): Uncertain significance (1 of 4 stars; one submission).

Conditions:
Long QT syndrome (LQTS). Identifiers: MedGen C0023976, MeSH D008133, MONDO:0002442. Disease mechanism: loss of function. Inheritance: Various modes of inheritance.

Submission:

All of Us Research Program, National Institutes of Health
Classification: Uncertain significance for Long QT syndrome. Last evaluated: 2024-02-05. Review status: criteria provided, single submitter. Criteria: ACMG Guidelines, 2015. Collection method: clinical testing. Allele origin: germline. Inheritance: Autosomal dominant inheritance. Observed: 1 variant allele, 1 heterozygote.
Comment: This variant causes a T to A nucleotide substitution at the -12 position of intron 9 of the KCNQ1 gene. To our knowledge, functional studies have not been reported for this variant. This variant has not been reported in individuals affected with KCNQ1-related disorders in the literature. This variant has not been identified in the general population by the Genome Aggregation Database (gnomAD). The available evidence is insufficient to determine the role of this variant in disease conclusively. Therefore, this variant is classified as a Variant of Uncertain Significance.

This study involves interpretation of variants in research participants for the purpose of population health screening. Participant phenotype was not available at the time of variant classification. Additional details can be found in publication PMID: 35346344, PMCID: PMC8962531

NM_000218.3(KCNQ1):c.1252-12T>A

Gene: KCNQ1 (potassium voltage-gated channel subfamily Q member 1; plus strand). Cytogenetic location: 11p15.5.
Variant type: single nucleotide variant.
Coding change: c.1252-12T>A on transcript NM_000218.3 (MANE Select); 12 bases into the intron before coding-DNA position 1252, T replaced by A.
Molecular consequence: intron variant.
Genome position (GRCh38, 1-based): chr11:2,588,701, T>A. VCF-style: chr11-2588701-T-A. GRCh37 (hg19) VCF-style: chr11-2609931-T-A.
Other names: c.982-12T>A (NM_001406837.1); c.1156-12T>A (NM_001406836.1); c.712-12T>A (NM_001406838.1); c.871-12T>A (NM_181798.2).
Identifiers: ClinVar variation 3075396 (VCV003075396.1), dbSNP rs2493708097, ClinGen allele CA2825001873.